The following is an entry in ClinVar:

NM_001069.3(TUBB2A):c.167-19C>T

Gene: TUBB2A (tubulin beta 2A class IIa; minus strand). Cytogenetic location: 6p25.2.
Variant type: single nucleotide variant.
Coding change: c.167-19C>T on transcript NM_001069.3 (MANE Select); 19 bases into the intron before coding-DNA position 167, C replaced by T.
Molecular consequence: intron variant.
Genome position (GRCh38, 1-based): chr6:3,155,754, G>A on the plus strand (C>T on the coding strand, the complement: TUBB2A is on the minus strand). VCF-style: chr6-3155754-G-A. GRCh37 (hg19) VCF-style: chr6-3155988-G-A.
Other names: c.-221-19C>T (NM_001310315.2).
Identifiers: ClinVar variation 380932 (VCV000380932.11), dbSNP rs115862064, ClinGen allele CA3619064.
Genomic context (GRCh38, chr6:3,155,754, plus strand): 5'-GCTCCAGATCCACCAGGATGGCCCGAGGTACATATTTGTTACCTGCAGGAAATAAGAACT[G>A]ACTCAGGCCTGTGCTTGGGGAGGGACTCACAGCAGCATTCAATTCCAGCATCTGAGACAA-3'

ClinVar aggregate classification (germline): Benign/Likely benign. Review status: criteria provided, multiple submitters, no conflicts (2 of 4 stars). 4 submissions from 4 submitters: Benign (2); Likely benign (1). 1 of the submissions does not count toward it. Last evaluated 2026-02-03.

Conditions:
Complex cortical dysplasia with other brain malformations 5. Identifiers: MedGen C3810407, MONDO:0014337, OMIM 615763.
TUBB2A-related disorder. Also called: TUBB2A-related condition.

Allele frequency attached by ClinVar (database versions not stated): 1000 Genomes Project 30x 0.00671; 1000 Genomes Project 0.00739; ExAC 0.01667; gnomAD exomes 0.01719 and 0.02880; TOPMed 0.01839; gnomAD 0.01897 and 0.01959; ESP Exome Variant Server 0.02207.
gnomAD v4.1: 44,191 of 1,594,864 alleles (2.8%); highest among the groups gnomAD compares: Non-Finnish European, 3.4%; 783 homozygotes.

Submissions (4):

Labcorp Genetics (formerly Invitae), Labcorp
Classification: Benign. Last evaluated: 2026-02-03. Review status: criteria provided, single submitter. Criteria: Invitae Variant Classification Sherloc (09022015). Collection method: clinical testing. Allele origin: germline.

Fulgent Genetics
Classification: Likely benign for Complex cortical dysplasia with other brain malformations 5. Last evaluated: 2021-08-27. Review status: criteria provided, single submitter. Criteria: ACMG Guidelines, 2015. Collection method: clinical testing. Allele origin: unknown.

GeneDx
Classification: Benign. Last evaluated: 2016-02-11. Review status: criteria provided, single submitter. Criteria: GeneDx Variant Classification (06012015). Collection method: clinical testing. Allele origin: germline. Affected: yes.
Comment: This variant is considered likely benign or benign based on one or more of the following criteria: it is a conservative change, it occurs at a poorly conserved position in the protein, it is predicted to be benign by multiple in silico algorithms, and/or has population frequency not consistent with disease.

PreventionGenetics, part of Exact Sciences
Classification: Benign for TUBB2A-related condition. Last evaluated: 2024-08-16. Review status: no assertion criteria provided. Collection method: clinical testing. Allele origin: germline. Not counted in ClinVar's aggregate classification.
Comment: This variant is classified as benign based on ACMG/AMP sequence variant interpretation guidelines (Richards et al. 2015 PMID: 25741868, with internal and published modifications).